The following is an entry in ClinVar:

NM_000548.5(TSC2):c.3447C>G (p.Phe1149Leu)

Gene: TSC2 (TSC complex subunit 2; plus strand). Cytogenetic location: 16p13.3.
Variant type: single nucleotide variant.
Coding change: c.3447C>G on transcript NM_000548.5 (MANE Select); coding-DNA position 3447, C replaced by G.
Protein change: p.Phe1149Leu; replaces phenylalanine 1149 with leucine.
Molecular consequence: missense variant.
Genome position (GRCh38, 1-based): chr16:2,080,214, C>G. VCF-style: chr16-2080214-C-G. GRCh37 (hg19) VCF-style: chr16-2130215-C-G.
Other names: c.3315C>G, p.Phe1105Leu (NM_001077183.3, NM_001370404.1); c.3447C>G, p.Phe1149Leu (NM_001114382.3); c.3207C>G, p.Phe1069Leu (NM_001318827.2); c.3171C>G, p.Phe1057Leu (NM_001318829.2); c.2715C>G, p.Phe905Leu (NM_001318831.2); c.3348C>G, p.Phe1116Leu (NM_001318832.2); c.3318C>G, p.Phe1106Leu (NM_001363528.2, NM_001370405.1, NM_021055.3); short protein forms F1069L, F1105L, F905L, F1057L, F1106L, F1116L, F1149L.
Identifiers: ClinVar variation 1417090 (VCV001417090.9), dbSNP rs1265832990, ClinGen allele CA394288756.
Genomic context (GRCh38, chr16:2,080,214, plus strand): 5'-CTCTTCTTCAGGGGGCCATGGTCTTCGAGTTGGCGCCCTGGACGTGCCGGCCTCCCAGTT[C>G]CTGGGCAGTGCCACTTCTCCAGGACCACGGACTGCACCAGCCGCGAAACCTGAGAAGGCC-3'
Protein context (NP_000539.2, residues 1139-1159): VGALDVPASQ[Phe1149Leu]LGSATSPGPR

ClinVar aggregate classification (germline): Uncertain significance. Review status: criteria provided, multiple submitters, no conflicts (2 of 4 stars). 2 submissions from 2 submitters: Uncertain significance (2). Last evaluated 2025-06-27.

Conditions:
Hereditary cancer-predisposing syndrome. Also called: Hereditary neoplastic syndrome; Neoplastic Syndromes, Hereditary; Hereditary Cancer Syndrome; Tumor predisposition. Identifiers: Orphanet 140162, MedGen C0027672, MeSH D009386, MONDO:0015356.
Tuberous sclerosis 2 (TSC2). Identifiers: Orphanet 805, MedGen C1860707, MONDO:0013199, OMIM 613254.

Submissions (2):

Ambry Genetics
Classification: Uncertain significance for Hereditary cancer-predisposing syndrome. Last evaluated: 2025-06-27. Review status: criteria provided, single submitter. Criteria: Ambry Variant Classification Scheme 2023. Collection method: clinical testing. Allele origin: germline.
Comment: The p.F1149L variant (also known as c.3447C>G), located in coding exon 29 of the TSC2 gene, results from a C to G substitution at nucleotide position 3447. The phenylalanine at codon 1149 is replaced by leucine, an amino acid with highly similar properties. This amino acid position is not well conserved in available vertebrate species. In addition, this alteration is predicted to be tolerated by in silico analysis. Based on the available evidence, the clinical significance of this variant remains unclear.

Labcorp Genetics (formerly Invitae), Labcorp
Classification: Uncertain significance for Tuberous sclerosis 2. Last evaluated: 2024-10-09. Review status: criteria provided, single submitter. Criteria: Invitae Variant Classification Sherloc (09022015). Collection method: clinical testing. Allele origin: germline.
Comment: This sequence change replaces phenylalanine, which is neutral and non-polar, with leucine, which is neutral and non-polar, at codon 1149 of the TSC2 protein (p.Phe1149Leu). This variant is not present in population databases (gnomAD no frequency). This variant has not been reported in the literature in individuals affected with TSC2-related conditions. ClinVar contains an entry for this variant (Variation ID: 1417090). Invitae Evidence Modeling of protein sequence and biophysical properties (such as structural, functional, and spatial information, amino acid conservation, physicochemical variation, residue mobility, and thermodynamic stability) indicates that this missense variant is not expected to disrupt TSC2 protein function with a negative predictive value of 95%. In summary, the available evidence is currently insufficient to determine the role of this variant in disease. Therefore, it has been classified as a Variant of Uncertain Significance.